The following is an entry in ClinVar:

NM_025144.4(ALPK1):c.497A>G (p.Tyr166Cys)

Gene: ALPK1 (alpha kinase 1; plus strand). Cytogenetic location: 4q25.
Variant type: single nucleotide variant.
Coding change: c.497A>G on transcript NM_025144.4 (MANE Select); coding-DNA position 497, A replaced by G.
Protein change: p.Tyr166Cys; replaces tyrosine 166 with cysteine.
Molecular consequence: missense variant.
Genome position (GRCh38, 1-based): chr4:112,423,965, A>G. VCF-style: chr4-112423965-A-G. GRCh37 (hg19) VCF-style: chr4-113345121-A-G.
Other names: c.497A>G, p.Tyr166Cys (NM_001102406.2); c.263A>G, p.Tyr88Cys (NM_001253884.2); short protein forms Y88C, Y166C.
Identifiers: ClinVar variation 4769360 (VCV004769360.1).

ClinVar aggregate classification (germline): Uncertain significance (1 of 4 stars; one submission).

gnomAD v4.1: 2 of 1,614,058 alleles (0.00012%); highest among the groups gnomAD compares: East Asian, 0.0045%; no homozygotes.

Submission:

Labcorp Genetics (formerly Invitae), Labcorp
Classification: Uncertain significance. Last evaluated: 2025-06-25. Review status: criteria provided, single submitter. Criteria: Invitae Variant Classification Sherloc (09022015). Collection method: clinical testing. Allele origin: germline.
Comment: This sequence change replaces tyrosine, which is neutral and polar, with cysteine, which is neutral and slightly polar, at codon 166 of the ALPK1 protein (p.Tyr166Cys). This variant is present in population databases (no rsID available, gnomAD 0.01%). This variant has not been reported in the literature in individuals affected with ALPK1-related conditions. Invitae Evidence Modeling of protein sequence and biophysical properties (such as structural, functional, and spatial information, amino acid conservation, physicochemical variation, residue mobility, and thermodynamic stability) indicates that this missense variant is expected to disrupt ALPK1 protein function with a positive predictive value of 80%. In summary, the available evidence is currently insufficient to determine the role of this variant in disease. Therefore, it has been classified as a Variant of Uncertain Significance.